The following is an entry in ClinVar:

NM_001079872.2(CUL4B):c.1349del (p.Asn450fs)

Gene: CUL4B (cullin 4B; minus strand). Cytogenetic location: Xq24.
Variant type: Deletion.
Coding change: c.1349del on transcript NM_001079872.2 (MANE Select); coding-DNA position 1349, one base deleted (A; older notation c.1349delA).
Protein change: p.Asn450fs; shifts the reading frame from asparagine 450.
Molecular consequence: frameshift variant.
Genome position (GRCh38, 1-based): chrX:120,541,696, T deleted on the plus strand (A on the coding strand, the reverse complement: CUL4B is on the minus strand); the first of 4 consecutive T bases (chrX:120,541,696-120,541,699); deleting any one gives the same sequence. VCF-style (leftmost placement, unchanged base first): chrX-120541695-GT-G. GRCh37 (hg19) VCF-style: chrX-119675550-GT-G.
Other names: c.1364del, p.Asn455fs (NM_001330624.2); c.815del, p.Asn272fs (NM_001369145.1); c.1403del, p.Asn468fs (NM_003588.4); short protein forms N272fs, N450fs, N455fs, N468fs.
Identifiers: ClinVar variation 3600671 (VCV003600671.1).

ClinVar aggregate classification (germline): Pathogenic (1 of 4 stars; one submission).

Submission:

GeneDx
Classification: Pathogenic. Last evaluated: 2024-07-23. Review status: criteria provided, single submitter. Criteria: GeneDx Variant Classification Process June 2021. Collection method: clinical testing. Allele origin: germline. Affected: yes.
Comment: Frameshift variant predicted to result in protein truncation or nonsense mediated decay in a gene for which loss of function is a known mechanism of disease; Not observed at significant frequency in large population cohorts (gnomAD); Has not been previously published as pathogenic or benign to our knowledge